The following is an entry in ClinVar:

NM_003482.4(KMT2D):c.10517A>C (p.Asp3506Ala)

Gene: KMT2D (lysine methyltransferase 2D; minus strand). Cytogenetic location: 12q13.12.
Variant type: single nucleotide variant.
Coding change: c.10517A>C on transcript NM_003482.4 (MANE Select); coding-DNA position 10517, A replaced by C.
Protein change: p.Asp3506Ala; replaces aspartic acid 3506 with alanine.
Molecular consequence: missense variant.
Genome position (GRCh38, 1-based): chr12:49,034,290, T>G on the plus strand (A>C on the coding strand, the complement: KMT2D is on the minus strand). VCF-style: chr12-49034290-T-G. GRCh37 (hg19) VCF-style: chr12-49428073-T-G.
Other names: short protein forms D3506A.
Identifiers: ClinVar variation 1991100 (VCV001991100.4), dbSNP rs1377058372, ClinGen allele CA384728563.
Genomic context (GRCh38, chr12:49,034,290, plus strand): 5'-TTCAGCTGCATCTGTAGGAGCTGCTGGGTATGGAACAGCCACTCCTCATACTGCCGCTGG[T>G]CAGCTTCATCTGGGAAAAGAAGCTGGGTGTCAGGACCTGCAAAAGGGTAATCCCAATCCC-3'
Protein context (NP_003473.3, residues 3496-3516): TFAQGVINEA[Asp3506Ala]QRQYEEWLFH

ClinVar aggregate classification (germline): Uncertain significance (1 of 4 stars; one submission).

Conditions:
Kabuki syndrome. Also called: NIIKAWA-KUROKI SYNDROME; Kabuki make-up syndrome. Identifiers: Orphanet 2322, MedGen C0796004, MONDO:0016512.

Allele frequency attached by ClinVar (database versions not stated): gnomAD exomes below 0.00001; gnomAD 0.00001; TOPMed 0.00001.
gnomAD v4.1: 5 of 1,612,430 alleles (0.00031%); highest among the groups gnomAD compares: Non-Finnish European, 0.00042%; no homozygotes.

Submission:

Labcorp Genetics (formerly Invitae), Labcorp
Classification: Uncertain significance for Kabuki syndrome. Last evaluated: 2021-12-15. Review status: criteria provided, single submitter. Criteria: Invitae Variant Classification Sherloc (09022015). Collection method: clinical testing. Allele origin: germline.
Comment: In summary, the available evidence is currently insufficient to determine the role of this variant in disease. Therefore, it has been classified as a Variant of Uncertain Significance. Advanced modeling of protein sequence and biophysical properties (such as structural, functional, and spatial information, amino acid conservation, physicochemical variation, residue mobility, and thermodynamic stability) performed at Invitae indicates that this missense variant is not expected to disrupt KMT2D protein function. This variant has not been reported in the literature in individuals affected with KMT2D-related conditions. This variant is present in population databases (no rsID available, gnomAD 0.0009%). This sequence change replaces aspartic acid, which is acidic and polar, with alanine, which is neutral and non-polar, at codon 3506 of the KMT2D protein (p.Asp3506Ala).